The following is an entry in ClinVar:

NM_032340.4(UQCC2):c.103G>A (p.Val35Ile)

Gene: UQCC2 (ubiquinol-cytochrome c reductase complex assembly factor 2; minus strand). Cytogenetic location: 6p21.31.
Variant type: single nucleotide variant.
Coding change: c.103G>A on transcript NM_032340.4 (MANE Select); coding-DNA position 103, G replaced by A.
Protein change: p.Val35Ile; replaces valine 35 with isoleucine.
Molecular consequence: missense variant.
Genome position (GRCh38, 1-based): chr6:33,711,584, C>T on the plus strand (G>A on the coding strand, the complement: UQCC2 is on the minus strand). VCF-style: chr6-33711584-C-T. GRCh37 (hg19) VCF-style: chr6-33679361-C-T.
Other names: short protein forms V35I.
Identifiers: ClinVar variation 2902034 (VCV002902034.3), dbSNP rs1765773287, ClinGen allele CA363681054.
Genomic context (GRCh38, chr6:33,711,584, plus strand): 5'-TCCCAGCCGCCTCCCCGCCGGTCACCTGGGTATTCTCTCCCTCCCGAAAGGCCTGTGCTA[C>T]CCGCTGTCGCAGGTAAGCGCCCAAGTCCCGGCCCCGTTTGGTCTCGTCCACTGGCCATTC-3'
Protein context (NP_115716.1, residues 25-45): RDLGAYLRQR[Val35Ile]AQAFREGENT

ClinVar aggregate classification (germline): Uncertain significance (1 of 4 stars; one submission).

Allele frequency attached by ClinVar (database versions not stated): gnomAD exomes below 0.00001.
gnomAD v4.1: 7 of 1,613,960 alleles (0.00043%); highest among the groups gnomAD compares: South Asian, 0.0066%; no homozygotes.

Submission:

Labcorp Genetics (formerly Invitae), Labcorp
Classification: Uncertain significance. Last evaluated: 2023-05-12. Review status: criteria provided, single submitter. Criteria: Invitae Variant Classification Sherloc (09022015). Collection method: clinical testing. Allele origin: germline.
Comment: In summary, the available evidence is currently insufficient to determine the role of this variant in disease. Therefore, it has been classified as a Variant of Uncertain Significance. Algorithms developed to predict the effect of sequence changes on RNA splicing suggest that this variant may disrupt the consensus splice site. An algorithm developed to predict the effect of missense changes on protein structure and function (PolyPhen-2) suggests that this variant is likely to be tolerated. This variant has not been reported in the literature in individuals affected with UQCC2-related conditions. This variant is not present in population databases (gnomAD no frequency). This sequence change replaces valine, which is neutral and non-polar, with isoleucine, which is neutral and non-polar, at codon 35 of the UQCC2 protein (p.Val35Ile).